The following is an entry in ClinVar:

NM_000051.4(ATM):c.2527A>G (p.Asn843Asp)

Gene: ATM (ATM serine/threonine kinase; plus strand). Cytogenetic location: 11q22.3.
Variant type: single nucleotide variant.
Coding change: c.2527A>G on transcript NM_000051.4 (MANE Select); coding-DNA position 2527, A replaced by G.
Protein change: p.Asn843Asp; replaces asparagine 843 with aspartic acid.
Molecular consequence: missense variant.
Genome position (GRCh38, 1-based): chr11:108,267,231, A>G. VCF-style: chr11-108267231-A-G. GRCh37 (hg19) VCF-style: chr11-108137958-A-G.
Other names: c.2527A>G, p.Asn843Asp (NM_001351834.2); short protein forms N843D.
Identifiers: ClinVar variation 482604 (VCV000482604.8), dbSNP rs1162447958, ClinGen allele CA382543523.

ClinVar aggregate classification (germline): Conflicting classifications of pathogenicity. Review status: criteria provided, conflicting classifications (1 of 4 stars). 2 submissions from 2 submitters: Uncertain significance (1); Likely benign (1). Last evaluated 2024-08-21.

Conditions:
Hereditary cancer-predisposing syndrome. Also called: Hereditary neoplastic syndrome; Neoplastic Syndromes, Hereditary; Tumor predisposition; Hereditary Cancer Syndrome. Identifiers: Orphanet 140162, MedGen C0027672, MeSH D009386, MONDO:0015356.
Ataxia-telangiectasia syndrome (AT). Also called: LOUIS-BAR SYNDROME; Cerebello-oculocutaneous telangiectasia; Immunodeficiency with ataxia telangiectasia; AT, COMPLEMENTATION GROUP C; Ataxia-telangiectasia, complementation group D; ATAXIA-TELANGIECTASIA, COMPLEMENTATION GROUP A. Identifiers: Orphanet 100, MedGen C0004135, MONDO:0008840, OMIM 208900.

Allele frequency attached by ClinVar (database versions not stated): gnomAD exomes 0.00001 and 0.00002; gnomAD 0.00006; TOPMed 0.00008.
gnomAD v4.1: 12 of 1,613,994 alleles (0.00074%); highest among the groups gnomAD compares: Admixed American, 0.02%; no homozygotes.

Submissions (2):

Labcorp Genetics (formerly Invitae), Labcorp
Classification: Uncertain significance for Ataxia-telangiectasia syndrome. Last evaluated: 2024-08-21. Review status: criteria provided, single submitter. Criteria: Invitae Variant Classification Sherloc (09022015). Collection method: clinical testing. Allele origin: germline.
Comment: This sequence change replaces asparagine, which is neutral and polar, with aspartic acid, which is acidic and polar, at codon 843 of the ATM protein (p.Asn843Asp). This variant is present in population databases (no rsID available, gnomAD 0.01%). This variant has not been reported in the literature in individuals affected with ATM-related conditions. ClinVar contains an entry for this variant (Variation ID: 482604). An algorithm developed to predict the effect of missense changes on protein structure and function outputs the following: PolyPhen-2: "Benign". The aspartic acid amino acid residue is found in multiple mammalian species, which suggests that this missense change does not adversely affect protein function. In summary, the available evidence is currently insufficient to determine the role of this variant in disease. Therefore, it has been classified as a Variant of Uncertain Significance.

Ambry Genetics
Classification: Likely benign for Hereditary cancer-predisposing syndrome. Last evaluated: 2016-06-02. Review status: criteria provided, single submitter. Criteria: Ambry Variant Classification Scheme 2023. Collection method: clinical testing. Allele origin: germline.